The following is an entry in ClinVar:

ClinVar aggregate classification (germline): Likely pathogenic (1 of 4 stars; one submission).

Allele frequency attached by ClinVar (database versions not stated): ExAC 0.00001; gnomAD 0.00003; TOPMed 0.00003.
gnomAD v4.1: 4 of 1,614,048 alleles (0.00025%); highest among the groups gnomAD compares: African/African-American, 0.0053%; no homozygotes.

Submission:

Labcorp Genetics (formerly Invitae), Labcorp
Classification: Likely pathogenic. Last evaluated: 2023-07-16. Review status: criteria provided, single submitter. Criteria: Invitae Variant Classification Sherloc (09022015). Collection method: clinical testing. Allele origin: germline.
Comment: In summary, the currently available evidence indicates that the variant is pathogenic, but additional data are needed to prove that conclusively. Therefore, this variant has been classified as Likely Pathogenic. Algorithms developed to predict the effect of sequence changes on RNA splicing suggest that this variant may disrupt the consensus splice site. This variant has not been reported in the literature in individuals affected with TRAPPC9-related conditions. This variant is present in population databases (rs765002341, gnomAD 0.007%). This sequence change affects a donor splice site in intron 11 of the TRAPPC9 gene. It is expected to disrupt RNA splicing. Variants that disrupt the donor or acceptor splice site typically lead to a loss of protein function (PMID: 16199547), and loss-of-function variants in TRAPPC9 are known to be pathogenic (PMID: 2000476, 20004763, 20004764).

Literature cited by the submitters: PubMed 16199547; PubMed 2000476; PubMed 20004763; PubMed 20004764.

NM_001160372.4(TRAPPC9):c.1768+1G>A

Gene: TRAPPC9 (trafficking protein particle complex subunit 9; minus strand). Cytogenetic location: 8q24.3.
Variant type: single nucleotide variant.
Coding change: c.1768+1G>A on transcript NM_001160372.4 (MANE Select); the canonical splice donor site of the intron after coding-DNA position 1768, G replaced by A.
Molecular consequence: splice donor variant.
Genome position (GRCh38, 1-based): chr8:140,300,468, C>T on the plus strand (G>A on the coding strand, the complement: TRAPPC9 is on the minus strand). VCF-style: chr8-140300468-C-T. GRCh37 (hg19) VCF-style: chr8-141310567-C-T.
Other names: c.1768+1G>A (NM_031466.8, NM_001374683.1); c.1741+1G>A (NM_001321646.2); c.1624+1G>A (NM_001374684.1); c.1789+1G>A (NM_001374682.1).
Identifiers: ClinVar variation 2887909 (VCV002887909.3), dbSNP rs765002341, ClinGen allele CA4893353.